The following is an entry in ClinVar:

NM_001112741.2(KCNC1):c.413G>A (p.Gly138Asp)

Gene: KCNC1 (potassium voltage-gated channel subfamily C member 1; plus strand). Cytogenetic location: 11p15.1.
Variant type: single nucleotide variant.
Coding change: c.413G>A on transcript NM_001112741.2 (MANE Select); coding-DNA position 413, G replaced by A.
Protein change: p.Gly138Asp; replaces glycine 138 with aspartic acid.
Molecular consequence: missense variant.
Genome position (GRCh38, 1-based): chr11:17,736,415, G>A. VCF-style: chr11-17736415-G-A. GRCh37 (hg19) VCF-style: chr11-17757962-G-A.
Other names: c.413G>A, p.Gly138Asp (NM_004976.4); short protein forms G138D.
Identifiers: ClinVar variation 4768692 (VCV004768692.1).

ClinVar aggregate classification (germline): Uncertain significance (1 of 4 stars; one submission).

Conditions:
Progressive myoclonic epilepsy type 7. Identifiers: Orphanet 435438, MedGen C4015420, MONDO:0014521, OMIM 616187.

Submission:

Labcorp Genetics (formerly Invitae), Labcorp
Classification: Uncertain significance for Progressive myoclonic epilepsy type 7. Last evaluated: 2025-08-31. Review status: criteria provided, single submitter. Criteria: Invitae Variant Classification Sherloc (09022015). Collection method: clinical testing. Allele origin: germline.
Comment: This sequence change replaces glycine, which is neutral and non-polar, with aspartic acid, which is acidic and polar, at codon 138 of the KCNC1 protein (p.Gly138Asp). This variant is not present in population databases (gnomAD no frequency). This variant has not been reported in the literature in individuals affected with KCNC1-related conditions. Invitae Evidence Modeling of protein sequence and biophysical properties (such as structural, functional, and spatial information, amino acid conservation, physicochemical variation, residue mobility, and thermodynamic stability) indicates that this missense variant is not expected to disrupt KCNC1 protein function with a negative predictive value of 95%. In summary, the available evidence is currently insufficient to determine the role of this variant in disease. Therefore, it has been classified as a Variant of Uncertain Significance.